The following is an entry in ClinVar:

ClinVar aggregate classification (germline): Benign. Review status: criteria provided, multiple submitters, no conflicts (2 of 4 stars). 2 submissions from 2 submitters: Benign (2). Last evaluated 2021-05-17.

Allele frequency attached by ClinVar (database versions not stated): 1000 Genomes Project 30x 0.04919; 1000 Genomes Project 0.04932; TOPMed 0.06662; gnomAD 0.06894 and 0.06935.

Submissions (2):

GeneDx
Classification: Benign. Last evaluated: 2021-05-17. Review status: criteria provided, single submitter. Criteria: GeneDx Variant Classification Process June 2021. Collection method: clinical testing. Allele origin: germline. Affected: yes.
Comment: This variant is associated with the following publications: (PMID: 12719438)

Breakthrough Genomics
Classification: Benign. Review status: criteria provided, single submitter. Criteria: ACMG Guidelines, 2015. Collection method: not provided. Allele origin: germline. Inheritance: Autosomal dominant inheritance. Affected: yes.

NM_032387.5(WNK4):c.2041-120G>A

Gene: WNK4 (WNK lysine deficient protein kinase 4; plus strand). Cytogenetic location: 17q21.2.
Variant type: single nucleotide variant.
Coding change: c.2041-120G>A on transcript NM_032387.5 (MANE Select); 120 bases into the intron before coding-DNA position 2041, G replaced by A.
Molecular consequence: intron variant.
Genome position (GRCh38, 1-based): chr17:42,788,561, G>A. VCF-style: chr17-42788561-G-A. GRCh37 (hg19) VCF-style: chr17-40940579-G-A.
Other names: c.1033-120G>A (NM_001321299.2).
Identifiers: ClinVar variation 1297224 (VCV001297224.3), dbSNP rs61755606, ClinGen allele CA14486813.
Genomic context (GRCh38, chr17:42,788,561, plus strand): 5'-AGCAGTGTATGACTAGTACTCAAGAGGCGGCCAGTCTGGTTTCTAATACCAGACTTTAGA[G>A]GTGGGGTCTACTTATCTCCAAGTCCATTGTGGCTGCTGTCACTTGGCTGGGGTAGGGTGG-3'